The following is an entry in ClinVar:

NM_021101.5(CLDN1):c.414A>T (p.Ala138=)

Genes: CLDN1 (claudin 1; minus strand), CLDN16 (claudin 16; plus strand). Cytogenetic location: 3q28.
Variant type: single nucleotide variant.
Coding change: c.414A>T on transcript NM_021101.5 (MANE Select); coding-DNA position 414, A replaced by T.
Protein change: p.Ala138=; no amino-acid change (alanine 138 retained).
Molecular consequence: synonymous variant. On other transcripts: intron variant (2).
Genome position (GRCh38, 1-based): chr3:190,310,228, T>A on the plus strand (A>T on the coding strand, the complement: CLDN1 is on the minus strand). VCF-style: chr3-190310228-T-A. GRCh37 (hg19) VCF-style: chr3-190028017-T-A.
Other names: c.-445-4665T>A (NM_001378492.1); c.-279+19637T>A (NM_001378493.1).
Identifiers: ClinVar variation 4989416 (VCV004989416.1).
Genomic context (GRCh38, chr3:190,310,228, plus strand): 5'-CCTGGCATTGACTGGGGTCATAGGGTCATAGAATTCTTGAACGATTCTATTGCCATACCA[T>A]GCTGTGGCAACTAAAATAGCCAGACCTATAGAAATTCAAAACAAAAGACTGTTAATCACC-3'
Protein context (NP_066924.1, residues 128-148): LAGLAILVAT[Ala138=]WYGNRIVQEF

ClinVar aggregate classification (germline): Likely benign (1 of 4 stars; one submission).

Conditions:
CLDN1-related disorder. Also called: CLDN1-related condition.

gnomAD v4.1: 3 of 1,613,786 alleles (0.00019%); highest among the groups gnomAD compares: East Asian, 0.0067%; no homozygotes.

Submission:

PreventionGenetics, part of Exact Sciences
Classification: Likely benign for CLDN1-related condition. Last evaluated: 2025-09-20. Review status: criteria provided, single submitter. Criteria: ACMG Guidelines, 2015. Collection method: clinical testing. Allele origin: germline.
Comment: This variant is classified as likely benign based on ACMG/AMP sequence variant interpretation guidelines (Richards et al. 2015 PMID: 25741868, with internal and published modifications).